The following is an entry in ClinVar:

ClinVar aggregate classification (germline): Benign/Likely benign. Review status: criteria provided, multiple submitters, no conflicts (2 of 4 stars). 3 submissions from 3 submitters: Benign (1); Likely benign (2). Last evaluated 2026-07-01.

Allele frequency attached by ClinVar (database versions not stated): gnomAD exomes 0.00019 and 0.00042; gnomAD 0.00022; TOPMed 0.00023; ExAC 0.00078.
gnomAD v4.1: 321 of 1,528,812 alleles (0.021%); highest among the groups gnomAD compares: Non-Finnish European, 0.0055%; 2 homozygotes.

Submissions (3):

CeGaT Center for Human Genetics Tuebingen
Classification: Likely benign. Last evaluated: 2026-07-01. Review status: criteria provided, single submitter. Criteria: CeGaT Center For Human Genetics Tuebingen Variant Classification Criteria Version 2. Collection method: clinical testing. Allele origin: germline. Affected: yes. Observed: 2 variant alleles.
Comment: COL18A1: BP4, BP7

Labcorp Genetics (formerly Invitae), Labcorp
Classification: Benign. Last evaluated: 2025-12-30. Review status: criteria provided, single submitter. Criteria: Invitae Variant Classification Sherloc (09022015). Collection method: clinical testing. Allele origin: germline.

Blueprint Genetics
Classification: Likely benign. Last evaluated: 2023-12-05. Review status: criteria provided, single submitter. Criteria: ACMG Guidelines, 2015. Collection method: clinical testing. Allele origin: germline.

NM_001379500.1(COL18A1):c.3369C>T (p.Ala1123=)

Genes: COL18A1 (collagen type XVIII alpha 1 chain; plus strand), SLC19A1 (solute carrier family 19 member 1; minus strand). Cytogenetic location: 21q22.3.
Variant type: single nucleotide variant.
Coding change: c.3369C>T on transcript NM_001379500.1 (MANE Select); coding-DNA position 3369, C replaced by T.
Protein change: p.Ala1123=; no amino-acid change (alanine 1123 retained).
Molecular consequence: synonymous variant.
Genome position (GRCh38, 1-based): chr21:45,509,475, C>T. VCF-style: chr21-45509475-C-T. GRCh37 (hg19) VCF-style: chr21-46929389-C-T.
Other names: c.3900C>T, p.Ala1300= (NM_030582.4); c.4605C>T, p.Ala1535= (NM_130444.3).
Identifiers: ClinVar variation 1169463 (VCV001169463.16), dbSNP rs773518131, ClinGen allele CA10067868.